The following is an entry in ClinVar:

ClinVar aggregate classification (germline): Uncertain significance. Review status: criteria provided, multiple submitters, no conflicts (2 of 4 stars). 2 submissions from 2 submitters: Uncertain significance (2). Last evaluated 2024-11-06.

Allele frequency attached by ClinVar (database versions not stated): gnomAD exomes 0.00001 and 0.00002; ExAC 0.00004; TOPMed 0.00010; gnomAD 0.00011 and 0.00014.

Submissions (2):

Labcorp Genetics (formerly Invitae), Labcorp
Classification: Uncertain significance. Last evaluated: 2024-11-06. Review status: criteria provided, single submitter. Criteria: Invitae Variant Classification Sherloc (09022015). Collection method: clinical testing. Allele origin: germline.
Comment: This sequence change replaces alanine, which is neutral and non-polar, with threonine, which is neutral and polar, at codon 205 of the SLC1A3 protein (p.Ala205Thr). This variant is present in population databases (rs747247810, gnomAD 0.02%). This variant has not been reported in the literature in individuals affected with SLC1A3-related conditions. ClinVar contains an entry for this variant (Variation ID: 586621). An algorithm developed to predict the effect of missense changes on protein structure and function (PolyPhen-2) suggests that this variant is likely to be tolerated. In summary, the available evidence is currently insufficient to determine the role of this variant in disease. Therefore, it has been classified as a Variant of Uncertain Significance.

Athena Diagnostics
Classification: Uncertain significance. Last evaluated: 2018-07-23. Review status: criteria provided, single submitter. Criteria: Athena Diagnostics Criteria. Collection method: clinical testing. Allele origin: germline.

NM_004172.5(SLC1A3):c.613G>A (p.Ala205Thr)

Genes: SLC1A3 (solute carrier family 1 member 3; plus strand), SLC1A3-AS1 (SLC1A3 antisense RNA 1; minus strand). Cytogenetic location: 5p13.2.
Variant type: single nucleotide variant.
Coding change: c.613G>A on transcript NM_004172.5 (MANE Select); coding-DNA position 613, G replaced by A.
Protein change: p.Ala205Thr; replaces alanine 205 with threonine.
Molecular consequence: missense variant. On other transcripts: intron variant (1).
Genome position (GRCh38, 1-based): chr5:36,676,937, G>A. VCF-style: chr5-36676937-G-A. GRCh37 (hg19) VCF-style: chr5-36677039-G-A.
Other names: c.613G>A, p.Ala205Thr (NM_001166695.3); c.475G>A, p.Ala159Thr (NM_001289939.2); c.525-2690G>A (NM_001289940.2); short protein forms A205T, A159T.
Identifiers: ClinVar variation 586621 (VCV000586621.6), dbSNP rs747247810, ClinGen allele CA3235505.